The following is an entry in ClinVar:

ClinVar aggregate classification (germline): Uncertain significance. Review status: criteria provided, single submitter (1 of 4 stars). 2 submissions from 2 submitters: Uncertain significance (1). 1 of the submissions does not count toward it. Last evaluated 2025-12-22.

Conditions:
Cohen syndrome (COH1). Also called: PEPPER SYNDROME; Cutis verticis gyrata, retinitis pigmentosa, and sensorineural deafness. Identifiers: Orphanet 193, MedGen C0265223, MONDO:0008999, OMIM 216550.

gnomAD v4.1: 1 of 1,614,100 alleles (0.000062%); highest among the groups gnomAD compares: Non-Finnish European, 0.000085%; no homozygotes.

Submissions (2):

Labcorp Genetics (formerly Invitae), Labcorp
Classification: Uncertain significance for Cohen syndrome. Last evaluated: 2025-12-22. Review status: criteria provided, single submitter. Criteria: Invitae Variant Classification Sherloc (09022015). Collection method: clinical testing. Allele origin: germline.
Comment: This sequence change replaces alanine, which is neutral and non-polar, with proline, which is neutral and non-polar, at codon 1890 of the VPS13B protein (p.Ala1890Pro). This variant is not present in population databases (gnomAD no frequency). This variant has not been reported in the literature in individuals affected with VPS13B-related conditions. ClinVar contains an entry for this variant (Variation ID: 4063182). Invitae Evidence Modeling of protein sequence and biophysical properties (such as structural, functional, and spatial information, amino acid conservation, physicochemical variation, residue mobility, and thermodynamic stability) indicates that this missense variant is not expected to disrupt VPS13B protein function with a negative predictive value of 80%. In summary, the available evidence is currently insufficient to determine the role of this variant in disease. Therefore, it has been classified as a Variant of Uncertain Significance.

Natera, Inc.
Classification: Uncertain significance for Cohen syndrome. Last evaluated: 2025-03-17. Review status: no assertion criteria provided. Collection method: clinical testing. Allele origin: germline. Not counted in ClinVar's aggregate classification.

NM_152564.5(VPS13B):c.5593G>C (p.Ala1865Pro)

Gene: VPS13B (vacuolar protein sorting 13 homolog B; plus strand). Cytogenetic location: 8q22.2.
Variant type: single nucleotide variant.
Coding change: c.5593G>C on transcript NM_152564.5 (MANE Select); coding-DNA position 5593, G replaced by C.
Protein change: p.Ala1865Pro; replaces alanine 1865 with proline.
Molecular consequence: missense variant.
Genome position (GRCh38, 1-based): chr8:99,642,183, G>C. VCF-style: chr8-99642183-G-C. GRCh37 (hg19) VCF-style: chr8-100654411-G-C.
Other names: c.5668G>C, p.Ala1890Pro (NM_017890.5); short protein forms A1865P, A1890P.
Identifiers: ClinVar variation 4063182 (VCV004063182.2).